The following is an entry in ClinVar:

ClinVar aggregate classification (germline): Uncertain significance (0 of 4 stars; one submission).

Conditions:
GRK5-related disorder. Also called: GRK5-related condition.

gnomAD v4.1: 1 of 1,614,176 alleles (0.000062%); highest among the groups gnomAD compares: Non-Finnish European, 0.000085%; no homozygotes.

Submission:

PreventionGenetics, part of Exact Sciences
Classification: Uncertain significance for GRK5-related condition. Last evaluated: 2024-06-08. Review status: no assertion criteria provided. Collection method: clinical testing. Allele origin: germline.
Comment: The GRK5 c.855G>C variant is predicted to result in the amino acid substitution p.Glu285Asp. To our knowledge, this variant has not been reported in the literature or in a large population database, indicating this variant is rare. At this time, the clinical significance of this variant is uncertain due to the absence of conclusive functional and genetic evidence.

NM_005308.3(GRK5):c.855G>C (p.Glu285Asp)

Gene: GRK5 (G protein-coupled receptor kinase 5; plus strand). Cytogenetic location: 10q26.11.
Variant type: single nucleotide variant.
Coding change: c.855G>C on transcript NM_005308.3 (MANE Select); coding-DNA position 855, G replaced by C.
Protein change: p.Glu285Asp; replaces glutamic acid 285 with aspartic acid.
Molecular consequence: missense variant.
Genome position (GRCh38, 1-based): chr10:119,436,767, G>C. VCF-style: chr10-119436767-G-C. GRCh37 (hg19) VCF-style: chr10-121196279-G-C.
Other names: short protein forms E285D.
Identifiers: ClinVar variation 3349635 (VCV003349635.1).
Genomic context (GRCh38, chr10:119,436,767, plus strand): 5'-CATGAATGGGGGTGACCTGAAGTTCCACATCTACAACATGGGCAACCCTGGCTTCGAGGA[G>C]GAGCGGGCCTTGTTTTATGCGGCAGAGATCCTCTGCGGCTTAGAAGACCTCCACCGTGAG-3'
Protein context (NP_005299.1, residues 275-295): IYNMGNPGFE[Glu285Asp]ERALFYAAEI